The following is an entry in ClinVar:

NM_006348.5(COG5):c.628A>T (p.Asn210Tyr)

Gene: COG5 (component of oligomeric golgi complex 5; minus strand). Cytogenetic location: 7q22.3.
Variant type: single nucleotide variant.
Coding change: c.628A>T on transcript NM_006348.5 (MANE Select); coding-DNA position 628, A replaced by T.
Protein change: p.Asn210Tyr; replaces asparagine 210 with tyrosine.
Molecular consequence: missense variant. On other transcripts: intron variant (2).
Genome position (GRCh38, 1-based): chr7:107,412,543, T>A on the plus strand (A>T on the coding strand, the complement: COG5 is on the minus strand). VCF-style: chr7-107412543-T-A. GRCh37 (hg19) VCF-style: chr7-107052988-T-A.
Other names: c.628A>T, p.Asn210Tyr (NM_001161520.2, NM_001379511.1, NM_001379512.1 and 3 more transcripts); c.235-50433A>T (NM_001379516.1); c.539-114197A>T (NM_001379515.1); short protein forms N210Y.
Identifiers: ClinVar variation 1472833 (VCV001472833.6), dbSNP rs2129067191, ClinGen allele CA368938839.

ClinVar aggregate classification (germline): Uncertain significance (1 of 4 stars; one submission).

Conditions:
COG5-congenital disorder of glycosylation. Also called: CDG IIi; COG5-CDG; CONGENITAL DISORDER OF GLYCOSYLATION, TYPE IIi. Identifiers: Orphanet 263487, MedGen C3150876, MONDO:0013325, OMIM 613612.

Allele frequency attached by ClinVar (database versions not stated): gnomAD exomes below 0.00001.
gnomAD v4.1: 1 of 1,613,184 alleles (0.000062%); highest among the groups gnomAD compares: Non-Finnish European, 0.000085%; no homozygotes.

Submission:

Labcorp Genetics (formerly Invitae), Labcorp
Classification: Uncertain significance for COG5-congenital disorder of glycosylation. Last evaluated: 2021-12-02. Review status: criteria provided, single submitter. Criteria: Invitae Variant Classification Sherloc (09022015). Collection method: clinical testing. Allele origin: germline.
Comment: In summary, the available evidence is currently insufficient to determine the role of this variant in disease. Therefore, it has been classified as a Variant of Uncertain Significance. Algorithms developed to predict the effect of missense changes on protein structure and function (SIFT, PolyPhen-2, Align-GVGD) all suggest that this variant is likely to be disruptive. This variant has not been reported in the literature in individuals affected with COG5-related conditions. This variant is not present in population databases (gnomAD no frequency). This sequence change replaces asparagine, which is neutral and polar, with tyrosine, which is neutral and polar, at codon 241 of the COG5 protein (p.Asn241Tyr).